The following is an entry in ClinVar:

NM_005051.3(QARS1):c.1274A>T (p.His425Leu)

Gene: QARS1 (glutaminyl-tRNA synthetase 1; minus strand). Cytogenetic location: 3p21.31.
Variant type: single nucleotide variant.
Coding change: c.1274A>T on transcript NM_005051.3 (MANE Select); coding-DNA position 1274, A replaced by T.
Protein change: p.His425Leu; replaces histidine 425 with leucine.
Molecular consequence: missense variant. On other transcripts: non-coding transcript variant (1).
Genome position (GRCh38, 1-based): chr3:49,099,982, T>A on the plus strand (A>T on the coding strand, the complement: QARS1 is on the minus strand). VCF-style: chr3-49099982-T-A. GRCh37 (hg19) VCF-style: chr3-49137415-T-A.
Other names: c.1241A>T, p.His414Leu (NM_001272073.2); short protein forms H425L, H414L.
Identifiers: ClinVar variation 1480322 (VCV001480322.6), dbSNP rs2107101880, ClinGen allele CA352708550.
Genomic context (GRCh38, chr3:49,099,982, plus strand): 5'-GCTCGGCAGCCCCACCACCCCACCCCATTCTACACCCACCATTTGTCCCCTGTGCGGTGG[T>A]GTGGTGTATACTTGACTCGATAGGCTACAGGGTCCATCTTGCCATCCTCCATCACCAGCT-3'
Protein context (NP_005042.1, residues 415-435): PVAYRVKYTP[His425Leu]HRTGDKWCIY

ClinVar aggregate classification (germline): Uncertain significance (1 of 4 stars; one submission).

Conditions:
Diffuse cerebral and cerebellar atrophy - intractable seizures - progressive microcephaly syndrome. Also called: Microcephaly, progressive, with seizures and cerebral and cerebellar atrophy. Identifiers: Orphanet 404437, MedGen C4014239, MONDO:0014335, OMIM 615760.

Submission:

Labcorp Genetics (formerly Invitae), Labcorp
Classification: Uncertain significance for Diffuse cerebral and cerebellar atrophy - intractable seizures - progressive microcephaly syndrome. Last evaluated: 2021-11-23. Review status: criteria provided, single submitter. Criteria: Invitae Variant Classification Sherloc (09022015). Collection method: clinical testing. Allele origin: germline.
Comment: In summary, the available evidence is currently insufficient to determine the role of this variant in disease. Therefore, it has been classified as a Variant of Uncertain Significance. Algorithms developed to predict the effect of missense changes on protein structure and function are either unavailable or do not agree on the potential impact of this missense change (SIFT: "Deleterious"; PolyPhen-2: "Probably Damaging"; Align-GVGD: "Class C0"). This variant has not been reported in the literature in individuals affected with QARS-related conditions. This variant is not present in population databases (gnomAD no frequency). This sequence change replaces histidine, which is basic and polar, with leucine, which is neutral and non-polar, at codon 425 of the QARS protein (p.His425Leu).